The following is an entry in ClinVar:

NM_000038.6(APC):c.1182_1186delinsCCCTA (p.Gln394_Asp396delinsHisProAsn)

Gene: APC (APC regulator of Wnt signaling pathway; plus strand). Cytogenetic location: 5q22.2.
Variant type: Indel.
Coding change: c.1182_1186delinsCCCTA on transcript NM_000038.6 (MANE Select); coding-DNA positions 1182 to 1186, GCCTG replaced by CCCTA.
Protein change: p.Gln394_Asp396delinsHisProAsn.
Molecular consequence: missense variant. On other transcripts: non-coding transcript variant (2), intron variant (15).
Genome position (GRCh38, 1-based): chr5:112,819,214-112,819,218, GCCTG replaced by CCCTA. VCF-style: chr5-112819214-GCCTG-CCCTA. GRCh37 (hg19) VCF-style: chr5-112154911-GCCTG-CCCTA.
Other names: c.1182_1186delinsCCCTA, p.Gln394_Asp396delinsHisProAsn (NM_001127510.3, NM_001354895.2, NM_001354896.2 and 4 more transcripts); c.1128_1132delinsCCCTA, p.Gln376_Asp378delinsHisProAsn (NM_001127511.3); c.1212_1216delinsCCCTA, p.Gln404_Asp406delinsHisProAsn (NM_001354897.2, NM_001407446.1); c.1107_1111delinsCCCTA, p.Gln369_Asp371delinsHisProAsn (NM_001354898.2, NM_001407451.1); c.1098_1102delinsCCCTA, p.Gln366_Asp368delinsHisProAsn (NM_001354899.2, NM_001407452.1); c.1005_1009delinsCCCTA, p.Gln335_Asp337delinsHisProAsn (NM_001354900.2, NM_001354901.2, NM_001407453.1); c.333_337delinsCCCTA, p.Gln111_Asp113delinsHisProAsn (NM_001354906.2, NM_001407470.1); c.85-55_85-51delinsCCCTA (NM_001407472.1, NM_001407471.1); and 5 more.
Identifiers: ClinVar variation 4578323 (VCV004578323.1).
Genomic context (GRCh38, chr5:112,819,214, plus strand): 5'-GGGCAGTAAAGAGGCTCGGGCCAGGGCCAGTGCAGCACTCCACAACATCATTCACTCACA[GCCTG>CCCTA]ATGACAAGAGAGGCAGGCGTGAAATCCGAGTCCTTCATCTTTTGGAACAGATACGCGCTT-3'

ClinVar aggregate classification (germline): Uncertain significance (1 of 4 stars; one submission).

Conditions:
Hereditary cancer-predisposing syndrome. Also called: Neoplastic Syndromes, Hereditary; Tumor predisposition; Hereditary Cancer Syndrome; Hereditary neoplastic syndrome. Identifiers: Orphanet 140162, MedGen C0027672, MeSH D009386, MONDO:0015356.

Submission:

Ambry Genetics
Classification: Uncertain significance for Hereditary cancer-predisposing syndrome. Last evaluated: 2025-09-25. Review status: criteria provided, single submitter. Criteria: Ambry Variant Classification Scheme 2023. Collection method: clinical testing. Allele origin: germline.
Comment: The c.1182_1186delGCCTGinsCCCTA variant (also known as p.Q394_D396delinsHPN), located in coding exon 9 of the APC gene, results from an in-frame deletion of GCCTG and insertion of CCCTA at nucleotide positions 1182 to 1186. This results in the substitution of histidine, proline, and asparagine residues for the glutamine, proline, and aspartic acid residues at codons 394-396. These nucleotide positions are well conserved in available vertebrate species. This amino acid region is well conserved in available vertebrate species. In addition, this variant is predicted to be deleterious by in silico analysis (Choi Y et al. PLoS ONE. 2012; 7(10):e46688). In silico splice site analysis for this alteration is inconclusive. RNA studies have demonstrated that this alteration results in an incomplete splice defect; the clinical impact of this abnormal splicing is unknown at this time (Ambry internal data). Based on the available evidence, the clinical significance of this variant remains unclear.